The following is an entry in ClinVar:

NM_001395743.1(PTCHD3):c.1426C>T (p.Arg476Ter)

Gene: PTCHD3 (patched domain containing 3 (gene/pseudogene); minus strand). Cytogenetic location: 10p12.1.
Variant type: single nucleotide variant.
Coding change: c.1426C>T on transcript NM_001395743.1; coding-DNA position 1426, C replaced by T.
Protein change: p.Arg476Ter; replaces arginine 476 with a stop codon.
Molecular consequence: nonsense.
Genome position (GRCh38, 1-based): chr10:27,399,172, G>A on the plus strand (C>T on the coding strand, the complement: PTCHD3 is on the minus strand). VCF-style: chr10-27399172-G-A. GRCh37 (hg19) VCF-style: chr10-27688101-G-A.
Other names: c.1426C>T, p.Arg476Ter (NM_001034842.5); short protein forms R476*.
Identifiers: ClinVar variation 2640379 (VCV002640379.24), dbSNP rs142646098, ClinGen allele CA5451535.

ClinVar aggregate classification (germline): Likely benign (1 of 4 stars; one submission).

Allele frequency attached by ClinVar (database versions not stated): 1000 Genomes Project 30x 0.00172; 1000 Genomes Project 0.00180; TOPMed 0.00438; ESP Exome Variant Server 0.00607.

Submission:

CeGaT Center for Human Genetics Tuebingen
Classification: Likely benign. Last evaluated: 2022-03-01. Review status: criteria provided, single submitter. Criteria: CeGaT Center For Human Genetics Tuebingen Variant Classification Criteria Version 2. Collection method: clinical testing. Allele origin: germline. Affected: yes. Observed: 1 variant allele.
Comment: PTCHD3: BS2